The following is an entry in ClinVar:

ClinVar aggregate classification (germline): Uncertain significance. Review status: criteria provided, multiple submitters, no conflicts (2 of 4 stars). 2 submissions from 2 submitters: Uncertain significance (2). Last evaluated 2025-08-05.

Conditions:
Hereditary cancer-predisposing syndrome. Also called: Hereditary neoplastic syndrome; Tumor predisposition; Hereditary Cancer Syndrome; Neoplastic Syndromes, Hereditary. Identifiers: Orphanet 140162, MedGen C0027672, MeSH D009386, MONDO:0015356.
Familial cancer of breast. Also called: hereditary breast carcinoma; Hereditary breast cancer; BREAST CANCER, FAMILIAL. Identifiers: Orphanet 227535, MedGen C0346153, MONDO:0016419, OMIM 114480. Disease mechanism: loss of function.

gnomAD v4.1: 1 of 1,613,832 alleles (0.000062%); highest among the groups gnomAD compares: Non-Finnish European, 0.000085%; no homozygotes.

Submissions (2):

Labcorp Genetics (formerly Invitae), Labcorp
Classification: Uncertain significance for Familial cancer of breast. Last evaluated: 2025-08-05. Review status: criteria provided, single submitter. Criteria: Invitae Variant Classification Sherloc (09022015). Collection method: clinical testing. Allele origin: germline.
Comment: This sequence change replaces leucine, which is neutral and non-polar, with phenylalanine, which is neutral and non-polar, at codon 1006 of the PALB2 protein (p.Leu1006Phe). This variant is not present in population databases (gnomAD no frequency). This variant has not been reported in the literature in individuals affected with PALB2-related conditions. ClinVar contains an entry for this variant (Variation ID: 3642342). Invitae Evidence Modeling of protein sequence and biophysical properties (such as structural, functional, and spatial information, amino acid conservation, physicochemical variation, residue mobility, and thermodynamic stability) indicates that this missense variant is expected to disrupt PALB2 protein function with a positive predictive value of 80%. In summary, the available evidence is currently insufficient to determine the role of this variant in disease. Therefore, it has been classified as a Variant of Uncertain Significance.

Ambry Genetics
Classification: Uncertain significance for Hereditary cancer-predisposing syndrome. Last evaluated: 2025-04-10. Review status: criteria provided, single submitter. Criteria: Ambry Variant Classification Scheme 2023. Collection method: clinical testing. Allele origin: germline.
Comment: The p.L1006F variant (also known as c.3018G>C), located in coding exon 10 of the PALB2 gene, results from a G to C substitution at nucleotide position 3018. The leucine at codon 1006 is replaced by phenylalanine, an amino acid with highly similar properties. This amino acid position is conserved. In addition, this alteration is predicted to be tolerated by in silico analysis. Based on the available evidence, the clinical significance of this variant remains unclear.

NM_024675.4(PALB2):c.3018G>C (p.Leu1006Phe)

Gene: PALB2 (partner and localizer of BRCA2; minus strand). Cytogenetic location: 16p12.2.
Variant type: single nucleotide variant.
Coding change: c.3018G>C on transcript NM_024675.4 (MANE Select); coding-DNA position 3018, G replaced by C.
Protein change: p.Leu1006Phe; replaces leucine 1006 with phenylalanine.
Molecular consequence: missense variant. On other transcripts: intron variant (1).
Genome position (GRCh38, 1-based): chr16:23,621,457, C>G on the plus strand (G>C on the coding strand, the complement: PALB2 is on the minus strand). VCF-style: chr16-23621457-C-G. GRCh37 (hg19) VCF-style: chr16-23632778-C-G.
Other names: c.2958G>C, p.Leu986Phe (NM_001407296.1); c.2946G>C, p.Leu982Phe (NM_001407297.1); c.2856G>C, p.Leu952Phe (NM_001407298.1, NM_001407302.1); c.3018G>C, p.Leu1006Phe (NM_001407299.1, NM_001407301.1); c.2133G>C, p.Leu711Phe (NM_001407304.1, NM_001407305.1, NM_001407306.1 and 4 more transcripts); c.1971G>C, p.Leu657Phe (NM_001407307.1); c.1230G>C, p.Leu410Phe (NM_001407312.1, NM_001407313.1); c.552G>C, p.Leu184Phe (NM_001407314.1); and 1 more; short protein forms L657F, L986F, L1006F, L184F, L711F, L410F, L982F, L952F.
Identifiers: ClinVar variation 3642342 (VCV003642342.3).